The following is an entry in ClinVar:

ClinVar aggregate classification (germline): Conflicting classifications of pathogenicity. Review status: criteria provided, conflicting classifications (1 of 4 stars). 4 submissions from 4 submitters: Uncertain significance (1); Likely benign (3). Last evaluated 2025-06-02.

Conditions:
Hereditary cancer-predisposing syndrome. Also called: Neoplastic Syndromes, Hereditary; Tumor predisposition; Hereditary Cancer Syndrome; Hereditary neoplastic syndrome. Identifiers: Orphanet 140162, MedGen C0027672, MeSH D009386, MONDO:0015356.

Allele frequency attached by ClinVar (database versions not stated): gnomAD 0.00001; gnomAD exomes 0.00002; TOPMed 0.00002; ExAC 0.00003.
gnomAD v4.1: 12 of 1,612,884 alleles (0.00074%); highest among the groups gnomAD compares: Admixed American, 0.01%; no homozygotes.

Submissions (4):

Quest Diagnostics Nichols Institute San Juan Capistrano
Classification: Uncertain significance. Last evaluated: 2025-06-02. Review status: criteria provided, single submitter. Criteria: Quest Diagnostics criteria. Collection method: clinical testing. Allele origin: unknown.
Comment: The RAD50 c.1348C>T (p.Leu450=) synonymous variant has not been reported in individuals with RAD50-related conditions in the published literature. The frequency of this variant in the general population (Genome Aggregation Database) is uninformative in the assessment of its pathogenicity. Analysis of this variant using software algorithms for the prediction of the effect of nucleotide changes on splicing yielded predictions that this variant does not affect RAD50 mRNA splicing. Based on the available information, we are unable to determine the clinical significance of this variant.

Labcorp Genetics (formerly Invitae), Labcorp
Classification: Likely benign for Hereditary cancer-predisposing syndrome. Last evaluated: 2025-04-27. Review status: criteria provided, single submitter. Criteria: Invitae Variant Classification Sherloc (09022015). Collection method: clinical testing. Allele origin: germline.

Ambry Genetics
Classification: Likely benign for Hereditary cancer-predisposing syndrome. Last evaluated: 2015-07-22. Review status: criteria provided, single submitter. Criteria: Ambry Variant Classification Scheme 2023. Collection method: clinical testing. Allele origin: germline.

Breakthrough Genomics
Classification: Likely benign. Review status: criteria provided, single submitter. Criteria: ACMG Guidelines, 2015. Collection method: not provided. Allele origin: germline. Inheritance: Autosomal recessive inheritance. Affected: yes.

NM_005732.4(RAD50):c.1348C>T (p.Leu450=)

Gene: RAD50 (RAD50 double strand break repair protein; plus strand). Cytogenetic location: 5q31.1.
Variant type: single nucleotide variant.
Coding change: c.1348C>T on transcript NM_005732.4 (MANE Select); coding-DNA position 1348, C replaced by T.
Protein change: p.Leu450=; no amino-acid change (leucine 450 retained).
Molecular consequence: synonymous variant.
Genome position (GRCh38, 1-based): chr5:132,589,733, C>T. VCF-style: chr5-132589733-C-T. GRCh37 (hg19) VCF-style: chr5-131925425-C-T.
Identifiers: ClinVar variation 233130 (VCV000233130.16), dbSNP rs754278187, ClinGen allele CA3405157.